The following is an entry in ClinVar:

ClinVar aggregate classification (germline): Conflicting classifications of pathogenicity. Review status: criteria provided, conflicting classifications (1 of 4 stars). 4 submissions from 4 submitters: Uncertain significance (2); Likely benign (1). 1 of the submissions does not count toward it. Last evaluated 2024-08-12.

Conditions:
PCNT-related disorder. Also called: PCNT-related condition.
Microcephalic osteodysplastic primordial dwarfism type II (MOPD2). Also called: Microcephalic osteodysplastic primordial dwarfism with tooth abnormalities; MOPD II; OSTEODYSPLASTIC PRIMORDIAL DWARFISM, TYPE II. Identifiers: Orphanet 2637, MedGen C0432246, MONDO:0008872, OMIM 210720.

Allele frequency attached by ClinVar (database versions not stated): ExAC 0.00003; gnomAD exomes 0.00004 and 0.00012; TOPMed 0.00006; gnomAD 0.00007.
gnomAD v4.1: 186 of 1,613,916 alleles (0.012%); highest among the groups gnomAD compares: Non-Finnish European, 0.014%; no homozygotes.

Submissions (4):

Labcorp Genetics (formerly Invitae), Labcorp
Classification: Likely benign. Last evaluated: 2024-08-12. Review status: criteria provided, single submitter. Criteria: Invitae Variant Classification Sherloc (09022015). Collection method: clinical testing. Allele origin: germline.

Illumina Laboratory Services, Illumina
Classification: Uncertain significance for Microcephalic osteodysplastic primordial dwarfism type II. Last evaluated: 2018-01-12. Review status: criteria provided, single submitter. Criteria: ICSL Variant Classification Criteria 13 December 2019. Collection method: clinical testing. Allele origin: germline.

Eurofins Ntd Llc (ga)
Classification: Uncertain significance. Last evaluated: 2015-04-23. Review status: criteria provided, single submitter. Criteria: EGL Classification Definitions 2015. Collection method: clinical testing. Allele origin: germline. Observed: 1 variant allele, 1 heterozygote.

PreventionGenetics, part of Exact Sciences
Classification: Likely benign for PCNT-related condition. Last evaluated: 2023-11-08. Review status: no assertion criteria provided. Collection method: clinical testing. Allele origin: germline. Not counted in ClinVar's aggregate classification.
Comment: This variant is classified as likely benign based on ACMG/AMP sequence variant interpretation guidelines (Richards et al. 2015 PMID: 25741868, with internal and published modifications).

NM_006031.6(PCNT):c.3885T>C (p.Phe1295=)

Gene: PCNT (pericentrin; plus strand). Cytogenetic location: 21q22.3.
Variant type: single nucleotide variant.
Coding change: c.3885T>C on transcript NM_006031.6 (MANE Select); coding-DNA position 3885, T replaced by C.
Protein change: p.Phe1295=; no amino-acid change (phenylalanine 1295 retained).
Molecular consequence: synonymous variant.
Genome position (GRCh38, 1-based): chr21:46,390,714, T>C. VCF-style: chr21-46390714-T-C. GRCh37 (hg19) VCF-style: chr21-47810629-T-C.
Other names: c.3531T>C, p.Phe1177= (NM_001315529.2).
Identifiers: ClinVar variation 195500 (VCV000195500.15), dbSNP rs755298136, ClinGen allele CA241946.